The following is an entry in ClinVar:

NM_001004334.4(GPR179):c.1573C>T (p.Arg525Ter)

Gene: GPR179 (G protein-coupled receptor 179; minus strand). Cytogenetic location: 17q12.
Variant type: single nucleotide variant.
Coding change: c.1573C>T on transcript NM_001004334.4 (MANE Select); coding-DNA position 1573, C replaced by T.
Protein change: p.Arg525Ter; replaces arginine 525 with a stop codon.
Molecular consequence: nonsense.
Genome position (GRCh38, 1-based): chr17:38,335,105, G>A on the plus strand (C>T on the coding strand, the complement: GPR179 is on the minus strand). VCF-style: chr17-38335105-G-A. GRCh37 (hg19) VCF-style: chr17-36490988-G-A.
Other names: short protein forms R525*.
Identifiers: ClinVar variation 808255 (VCV000808255.49), dbSNP rs773022324, ClinGen allele CA290108639.

ClinVar aggregate classification (germline): Pathogenic/Likely pathogenic. Review status: criteria provided, multiple submitters, no conflicts (2 of 4 stars). 4 submissions from 4 submitters: Pathogenic (2); Likely pathogenic (2). Last evaluated 2026-01-12.

Conditions:
GPR179-related disorders.
Optic atrophy. Identifiers: MedGen C0029124, MONDO:0003608, HP:0000648.

Allele frequency attached by ClinVar (database versions not stated): gnomAD 0.00001; gnomAD exomes 0.00001 and 0.00002; TOPMed 0.00001; ExAC 0.00002.

Submissions (4):

Labcorp Genetics (formerly Invitae), Labcorp
Classification: Pathogenic. Last evaluated: 2026-01-12. Review status: criteria provided, single submitter. Criteria: Invitae Variant Classification Sherloc (09022015). Collection method: clinical testing. Allele origin: germline.
Comment: This sequence change creates a premature translational stop signal (p.Arg525*) in the GPR179 gene. It is expected to result in an absent or disrupted protein product. Loss-of-function variants in GPR179 are known to be pathogenic (PMID: 22325361, 22325362). This variant is present in population databases (rs773022324, gnomAD 0.01%). This variant has not been reported in the literature in individuals affected with GPR179-related conditions. ClinVar contains an entry for this variant (Variation ID: 808255). For these reasons, this variant has been classified as Pathogenic.

Blueprint Genetics
Classification: Likely pathogenic for GPR179-related disorders. Last evaluated: 2024-10-18. Review status: criteria provided, single submitter. Criteria: ACMG Guidelines, 2015. Collection method: clinical testing. Allele origin: germline. Affected: yes. Observed: 3 variant alleles.

Institute of Human Genetics, Univ. Regensburg, Univ. Regensburg
Classification: Pathogenic for Optic atrophy. Last evaluated: 2023-01-01. Review status: criteria provided, single submitter. Criteria: ACMG Guidelines, 2015. Collection method: clinical testing. Allele origin: germline. Affected: yes.

CeGaT Center for Human Genetics Tuebingen
Classification: Likely pathogenic. Last evaluated: 2020-11-01. Review status: criteria provided, single submitter. Criteria: CeGaT Center For Human Genetics Tuebingen Variant Classification Criteria Version 2. Collection method: clinical testing. Allele origin: germline. Affected: yes. Observed: 1 variant allele.

Literature cited by the submitters: PubMed 22325361 (cited by Labcorp Genetics (formerly Invitae), Labcorp); PubMed 22325362 (cited by Labcorp Genetics (formerly Invitae), Labcorp); PubMed 31964843 (cited by Institute of Human Genetics, Univ. Regensburg, Univ. Regensburg).